The following is an entry in ClinVar:

ClinVar aggregate classification (germline): Uncertain significance (1 of 4 stars; one submission).

gnomAD v4.1: 9 of 1,567,910 alleles (0.00057%); highest among the groups gnomAD compares: Non-Finnish European, 0.00078%; no homozygotes.

Submission:

Labcorp Genetics (formerly Invitae), Labcorp
Classification: Uncertain significance. Last evaluated: 2025-10-14. Review status: criteria provided, single submitter. Criteria: Invitae Variant Classification Sherloc (09022015). Collection method: clinical testing. Allele origin: germline.
Comment: This sequence change replaces glycine, which is neutral and non-polar, with serine, which is neutral and polar, at codon 451 of the ACAN protein (p.Gly451Ser). The frequency data for this variant in the population databases is considered unreliable, as metrics indicate poor data quality at this position in the gnomAD database. This variant has not been reported in the literature in individuals affected with ACAN-related conditions. Invitae Evidence Modeling of protein sequence and biophysical properties (such as structural, functional, and spatial information, amino acid conservation, physicochemical variation, residue mobility, and thermodynamic stability) indicates that this missense variant is not expected to disrupt ACAN protein function with a negative predictive value of 80%. In summary, the available evidence is currently insufficient to determine the role of this variant in disease. Therefore, it has been classified as a Variant of Uncertain Significance.

NM_001369268.1(ACAN):c.1351G>A (p.Gly451Ser)

Gene: ACAN (aggrecan; plus strand). Cytogenetic location: 15q26.1.
Variant type: single nucleotide variant.
Coding change: c.1351G>A on transcript NM_001369268.1 (MANE Select); coding-DNA position 1351, G replaced by A.
Protein change: p.Gly451Ser; replaces glycine 451 with serine.
Molecular consequence: missense variant.
Genome position (GRCh38, 1-based): chr15:88,845,804, G>A. VCF-style: chr15-88845804-G-A. GRCh37 (hg19) VCF-style: chr15-89389035-G-A.
Other names: c.1351G>A, p.Gly451Ser (NM_001135.4, NM_001411096.1, NM_001411097.1 and 1 more transcripts); short protein forms G451S.
Identifiers: ClinVar variation 4702164 (VCV004702164.1).